The following is an entry in ClinVar:

ClinVar aggregate classification (germline): Conflicting classifications of pathogenicity. Review status: criteria provided, conflicting classifications (1 of 4 stars). 7 submissions from 5 submitters: Uncertain significance (2); Benign (3); Likely benign (2). Last evaluated 2024-01-29.

Conditions:
Polydactyly. Also called: polydactylism. Identifiers: MedGen C0152427, MONDO:0021003, OMIM 603596, HP:0010442.
Inborn genetic diseases. Identifiers: MedGen C0950123, MeSH D030342.
Greig cephalopolysyndactyly syndrome (GCPS). Also called: GLI3-Related Greig Cephalopolysyndactyly Syndrome; POLYSYNDACTYLY WITH PECULIAR SKULL SHAPE; Greig syndrome. Identifiers: Orphanet 380, MedGen C0265306, MONDO:0008287, OMIM 175700.
Pallister-Hall syndrome (PHS). Also called: GLI3-Related Pallister-Hall Syndrome; HYPOTHALAMIC HAMARTOBLASTOMA, HYPOPITUITARISM, IMPERFORATE ANUS, AND POSTAXIAL POLYDACTYLY. Identifiers: Orphanet 672, MedGen C0265220, MONDO:0007804, OMIM 146510.
Polysyndactyly 4. Also called: Polysyndactyly uncomplicated; Preaxial polydactyly 4. Identifiers: Orphanet 93338, MedGen C1868111, MONDO:0008272, OMIM 174700.
Polydactyly, postaxial, type A1. Identifiers: MedGen C4282400, MONDO:0008266, OMIM 174200.
Congenital hypothalamic hamartoma syndrome. Also called: PALLISTER-HALL-LIKE SYNDROME. Identifiers: MedGen C5435677, MONDO:0009436, OMIM 241800.

Allele frequency attached by ClinVar (database versions not stated): gnomAD exomes 0.00009 and 0.00024; ExAC 0.00010; TOPMed 0.00012; gnomAD 0.00013 and 0.00016; ESP Exome Variant Server 0.00023.
gnomAD v4.1: 366 of 1,613,918 alleles (0.023%); highest among the groups gnomAD compares: Non-Finnish European, 0.03%; no homozygotes.

Submissions (7):

Labcorp Genetics (formerly Invitae), Labcorp
Classification: Likely benign for Pallister-Hall syndrome; Greig cephalopolysyndactyly syndrome. Last evaluated: 2024-01-29. Review status: criteria provided, single submitter. Criteria: Invitae Variant Classification Sherloc (09022015). Collection method: clinical testing. Allele origin: germline.

Ambry Genetics
Classification: Likely benign for Inborn genetic diseases. Last evaluated: 2023-09-22. Review status: criteria provided, single submitter. Criteria: Ambry Variant Classification Scheme 2023. Collection method: clinical testing. Allele origin: germline.

Fulgent Genetics
Classification: Uncertain significance for Pallister-Hall syndrome; Polydactyly, postaxial, type A1; Polysyndactyly 4; Greig cephalopolysyndactyly syndrome; Congenital hypothalamic hamartoma syndrome. Last evaluated: 2018-10-31. Review status: criteria provided, single submitter. Criteria: ACMG Guidelines, 2015. Collection method: clinical testing. Allele origin: unknown.

Illumina Laboratory Services, Illumina
Classification: Benign for Polydactyly. Last evaluated: 2017-09-28. Review status: criteria provided, single submitter. Criteria: ICSL Variant Classification Criteria 13 December 2019. Collection method: clinical testing. Allele origin: germline.
Comment: This variant was observed as part of a predisposition screen in an ostensibly healthy population. A literature search was performed for the gene, cDNA change, and amino acid change (where applicable). No publications were found based on this search. Allele frequency data from public databases was too high to be consistent with this variant causing disease. Therefore, this variant is classified as benign.

Illumina Laboratory Services, Illumina
Classification: Benign for Greig cephalopolysyndactyly syndrome. Last evaluated: 2017-09-28. Review status: criteria provided, single submitter. Criteria: ICSL Variant Classification Criteria 13 December 2019. Collection method: clinical testing. Allele origin: germline.
Comment: the same text as in the submission from Illumina Laboratory Services, Illumina above.

Illumina Laboratory Services, Illumina
Classification: Benign for Pallister-Hall syndrome. Last evaluated: 2017-09-28. Review status: criteria provided, single submitter. Criteria: ICSL Variant Classification Criteria 13 December 2019. Collection method: clinical testing. Allele origin: germline.
Comment: the same text as in the submission from Illumina Laboratory Services, Illumina above.

GeneDx
Classification: Uncertain significance. Last evaluated: 2017-01-26. Review status: criteria provided, single submitter. Criteria: GeneDx Variant Classification (06012015). Collection method: clinical testing. Allele origin: germline. Affected: yes.
Comment: The E81K variant has not been published as a pathogenic variant, nor has it been reported as a benign variant to our knowledge. It was not observed with any significant frequency in approximately 6,500 individuals of European and African American ancestry in the NHLBI Exome Sequencing Project. The E81K variant is a non-conservative amino acid substitution, which is likely to impact secondary protein structure as these residues differ in polarity, charge, size and/or other properties. This substitution occurs at a position that is conserved across species. However, in silico analysis is inconsistent in its predictions as to whether or not the variant is damaging to the protein structure/function. Therefore, based on the currently available information, it is unclear whether this variant is a pathogenic variant or a rare benign variant.

NM_000168.6(GLI3):c.241G>A (p.Glu81Lys)

Gene: GLI3 (GLI family zinc finger 3; minus strand). Cytogenetic location: 7p14.1.
Variant type: single nucleotide variant.
Coding change: c.241G>A on transcript NM_000168.6 (MANE Select); coding-DNA position 241, G replaced by A.
Protein change: p.Glu81Lys; replaces glutamic acid 81 with lysine.
Molecular consequence: missense variant.
Genome position (GRCh38, 1-based): chr7:42,148,352, C>T on the plus strand (G>A on the coding strand, the complement: GLI3 is on the minus strand). VCF-style: chr7-42148352-C-T. GRCh37 (hg19) VCF-style: chr7-42187951-C-T.
Other names: short protein forms E81K.
Identifiers: ClinVar variation 265180 (VCV000265180.11), dbSNP rs376725882, ClinGen allele CA4231269.